The following is an entry in ClinVar:

NM_006231.4(POLE):c.3750C>A (p.Pro1250=)

Gene: POLE (DNA polymerase epsilon, catalytic subunit; minus strand). Cytogenetic location: 12q24.33.
Variant type: single nucleotide variant.
Coding change: c.3750C>A on transcript NM_006231.4 (MANE Select); coding-DNA position 3750, C replaced by A.
Protein change: p.Pro1250=; no amino-acid change (proline 1250 retained).
Molecular consequence: synonymous variant.
Genome position (GRCh38, 1-based): chr12:132,649,722, G>T on the plus strand (C>A on the coding strand, the complement: POLE is on the minus strand). VCF-style: chr12-132649722-G-T. GRCh37 (hg19) VCF-style: chr12-133226308-G-T.
Identifiers: ClinVar variation 3046246 (VCV003046246.4), dbSNP rs2541953673, ClinGen allele CA482729130.
Genomic context (GRCh38, chr12:132,649,722, plus strand): 5'-AGCTGTGTGCCTTACCTGGCTGGTTCCCAGGGCGGGAGGCTGCCCCAAGATTTCCTGCCA[G>T]GGCACAGTCGGCGTGAGGTCCTGGGACTCCTCCTGGCTCTCCCAAAGAACTCGCTTCCTC-3'
Protein context (NP_006222.2, residues 1240-1260): EESQDLTPTV[Pro1250=]WQEILGQPPA

ClinVar aggregate classification (germline): Likely benign. Review status: criteria provided, single submitter (1 of 4 stars). 2 submissions from 2 submitters: Likely benign (1). 1 of the submissions does not count toward it. Last evaluated 2024-02-09.

Conditions:
POLE-related disorder. Also called: POLE-related disorders; POLE-related condition.

Submissions (2):

Labcorp Genetics (formerly Invitae), Labcorp
Classification: Likely benign. Last evaluated: 2024-02-09. Review status: criteria provided, single submitter. Criteria: Invitae Variant Classification Sherloc (09022015). Collection method: clinical testing. Allele origin: germline.

PreventionGenetics, part of Exact Sciences
Classification: Likely benign for POLE-related condition. Last evaluated: 2023-03-19. Review status: no assertion criteria provided. Collection method: clinical testing. Allele origin: germline. Not counted in ClinVar's aggregate classification.
Comment: This variant is classified as likely benign based on ACMG/AMP sequence variant interpretation guidelines (Richards et al. 2015 PMID: 25741868, with internal and published modifications).